The following is an entry in ClinVar:

NM_001040108.2(MLH3):c.3716-10C>T

Gene: MLH3 (mutL homolog 3; minus strand). Cytogenetic location: 14q24.3.
Variant type: single nucleotide variant.
Coding change: c.3716-10C>T on transcript NM_001040108.2 (MANE Select); 10 bases into the intron before coding-DNA position 3716, C replaced by T.
Molecular consequence: intron variant.
Genome position (GRCh38, 1-based): chr14:75,032,189, G>A on the plus strand (C>T on the coding strand, the complement: MLH3 is on the minus strand). VCF-style: chr14-75032189-G-A. GRCh37 (hg19) VCF-style: chr14-75498892-G-A.
Other names: c.3644-10C>T (NM_014381.3).
Identifiers: ClinVar variation 492692 (VCV000492692.22), dbSNP rs374204567, ClinGen allele CA7275342.
Genomic context (GRCh38, chr14:75,032,189, plus strand): 5'-ACAGTAATTTTTTCCGACCAGAGCCTTGTGCCTGTTGCTTCTCGTAGGAATCTATTGGCA[G>A]AAAGATGAATGGGTTAAGAGTAGGAAGGGAAGTCTTCTAGATTCAGATAAAAATAAAGCA-3'

ClinVar aggregate classification (germline): Likely benign. Review status: criteria provided, multiple submitters, no conflicts (2 of 4 stars). 6 submissions from 6 submitters: Likely benign (5). 1 of the submissions does not count toward it. Last evaluated 2026-04-28.

Conditions:
Colorectal cancer, hereditary nonpolyposis, type 7. Identifiers: Orphanet 144, MedGen C1858380, MONDO:0013725, OMIM 614385.

Allele frequency attached by ClinVar (database versions not stated): gnomAD 0.00001; gnomAD exomes 0.00002 and 0.00003; TOPMed 0.00002; ExAC 0.00003; ESP Exome Variant Server 0.00015.

Submissions (6):

Myriad Genetics, Inc.
Classification: Likely benign for Colorectal cancer, hereditary nonpolyposis, type 7. Last evaluated: 2026-04-28. Review status: criteria provided, single submitter. Criteria: Myriad Autosomal Dominant, Autosomal Recessive and X-Linked Classification Criteria (2023). Collection method: clinical testing. Allele origin: unknown.
Comment: This variant is considered likely benign. This variant is intronic and is not expected to impact mRNA splicing.

Labcorp Genetics (formerly Invitae), Labcorp
Classification: Likely benign for Colorectal cancer, hereditary nonpolyposis, type 7. Last evaluated: 2025-04-23. Review status: criteria provided, single submitter. Criteria: Invitae Variant Classification Sherloc (09022015). Collection method: clinical testing. Allele origin: germline.

Center for Genomic Medicine, Rigshospitalet, Copenhagen University Hospital
Classification: Likely benign. Last evaluated: 2025-03-04. Review status: criteria provided, single submitter. Criteria: ACMG Guidelines, 2015. Collection method: clinical testing. Allele origin: germline.

Blueprint Genetics
Classification: Likely benign. Last evaluated: 2024-10-20. Review status: criteria provided, single submitter. Criteria: ACMG Guidelines, 2015. Collection method: clinical testing. Allele origin: germline.

Department of Pathology and Laboratory Medicine, Sinai Health System
Classification: Likely benign for colorectal cancer, hereditary nonpolyposis, type 7. Last evaluated: 2023-09-05. Review status: criteria provided, single submitter. Criteria: ACMG Guidelines, 2015. Collection method: clinical testing. Allele origin: germline. Affected: yes.

Mayo Clinic Laboratories, Mayo Clinic
Classification: Likely benign. Review status: no assertion criteria provided. Collection method: clinical testing. Allele origin: unknown. Not counted in ClinVar's aggregate classification.